The following is an entry in ClinVar:

NM_022725.4(FANCF):c.921G>T (p.Leu307Phe)

Genes: FANCF (FA complementation group F; minus strand), LOC130005444 (ATAC-STARR-seq lymphoblastoid active region 4534; plus strand). Cytogenetic location: 11p14.3.
Variant type: single nucleotide variant.
Coding change: c.921G>T on transcript NM_022725.4 (MANE Select); coding-DNA position 921, G replaced by T.
Protein change: p.Leu307Phe; replaces leucine 307 with phenylalanine.
Molecular consequence: missense variant.
Genome position (GRCh38, 1-based): chr11:22,624,890, C>A on the plus strand (G>T on the coding strand, the complement: FANCF is on the minus strand). VCF-style: chr11-22624890-C-A. GRCh37 (hg19) VCF-style: chr11-22646436-C-A.
Other names: short protein forms L307F.
Identifiers: ClinVar variation 1408269 (VCV001408269.8), dbSNP rs1205605542, ClinGen allele CA380058052.
Genomic context (GRCh38, chr11:22,624,890, plus strand): 5'-AGTTAGAACTTTATCTTTCAGAGGTGGAGGGGCCTGACAGAGGCTTTGAAACCTATTGTG[C>A]AACTCCTCCCAGGGCACATCTTGGGACTCAGTTCCAACCCAAATGCCTTTCTGAAGGTCA-3'
Protein context (NP_073562.1, residues 297-317): TESQDVPWEE[Leu307Phe]HNRFQSLCQA

ClinVar aggregate classification (germline): Uncertain significance (1 of 4 stars; one submission).

Conditions:
Fanconi anemia (FA). Also called: Fanconi's anemia. Identifiers: Orphanet 84, MedGen C0015625, MeSH D005199, MONDO:0019391.

Submission:

Labcorp Genetics (formerly Invitae), Labcorp
Classification: Uncertain significance for Fanconi anemia. Last evaluated: 2022-10-04. Review status: criteria provided, single submitter. Criteria: Invitae Variant Classification Sherloc (09022015). Collection method: clinical testing. Allele origin: germline.
Comment: This sequence change replaces leucine, which is neutral and non-polar, with phenylalanine, which is neutral and non-polar, at codon 307 of the FANCF protein (p.Leu307Phe). The frequency data for this variant in the population databases is considered unreliable, as metrics indicate poor data quality at this position in the gnomAD database. This variant has not been reported in the literature in individuals affected with FANCF-related conditions. ClinVar contains an entry for this variant (Variation ID: 1408269). Advanced modeling of protein sequence and biophysical properties (such as structural, functional, and spatial information, amino acid conservation, physicochemical variation, residue mobility, and thermodynamic stability) performed at Invitae indicates that this missense variant is expected to disrupt FANCF protein function. In summary, the available evidence is currently insufficient to determine the role of this variant in disease. Therefore, it has been classified as a Variant of Uncertain Significance.